The following is an entry in ClinVar:

NM_000535.7(PMS2):c.1674C>G (p.Thr558=)

Gene: PMS2 (PMS1 homolog 2, mismatch repair system component; minus strand). Cytogenetic location: 7p22.1.
Variant type: single nucleotide variant.
Coding change: c.1674C>G on transcript NM_000535.7 (MANE Select); coding-DNA position 1674, C replaced by G.
Protein change: p.Thr558=; no amino-acid change (threonine 558 retained).
Molecular consequence: synonymous variant. On other transcripts: non-coding transcript variant (1), intron variant (1).
Genome position (GRCh38, 1-based): chr7:5,987,091, G>C on the plus strand (C>G on the coding strand, the complement: PMS2 is on the minus strand). VCF-style: chr7-5987091-G-C. GRCh37 (hg19) VCF-style: chr7-6026722-G-C.
Other names: c.1269C>G, p.Thr423= (NM_001018040.1, NM_001322003.2, NM_001322004.2 and 17 more transcripts); c.1518C>G, p.Thr506= (NM_001322006.2, NM_001406870.1); c.1356C>G, p.Thr452= (NM_001322007.2, NM_001322008.2, NM_001406876.1 and 2 more transcripts); c.1113C>G, p.Thr371= (NM_001322010.2, NM_001406906.1, NM_001406907.1); c.741C>G, p.Thr247= (NM_001322011.2, NM_001322012.2); c.1101C>G, p.Thr367= (NM_001322013.2, NM_001406909.1); c.1674C>G, p.Thr558= (NM_001322014.2, NM_001406871.1, NM_001406872.1); c.1365C>G, p.Thr455= (NM_001322015.2, NM_001406875.1, NM_001406877.1 and 5 more transcripts); and 13 more.
Identifiers: ClinVar variation 1777755 (VCV001777755.5), dbSNP rs876658134, ClinGen allele CA453746129.

ClinVar aggregate classification (germline): Likely benign. Review status: criteria provided, multiple submitters, no conflicts (2 of 4 stars). 3 submissions from 3 submitters: Likely benign (3). Last evaluated 2025-12-03.

Conditions:
Hereditary nonpolyposis colorectal neoplasms. Identifiers: MedGen C0009405, MeSH D003123.
Hereditary cancer-predisposing syndrome. Also called: Neoplastic Syndromes, Hereditary; Tumor predisposition; Hereditary Cancer Syndrome; Hereditary neoplastic syndrome. Identifiers: Orphanet 140162, MedGen C0027672, MeSH D009386, MONDO:0015356.
Lynch syndrome. Identifiers: Orphanet 144, MedGen C4552100, MONDO:0005835. Disease mechanism: loss of function.

Submissions (3):

Labcorp Genetics (formerly Invitae), Labcorp
Classification: Likely benign for Hereditary nonpolyposis colorectal neoplasms. Last evaluated: 2025-12-03. Review status: criteria provided, single submitter. Criteria: Invitae Variant Classification Sherloc (09022015). Collection method: clinical testing. Allele origin: germline.

All of Us Research Program, National Institutes of Health
Classification: Likely benign for Lynch syndrome. Last evaluated: 2023-05-16. Review status: criteria provided, single submitter. Criteria: ACMG Guidelines, 2015. Collection method: clinical testing. Allele origin: germline. Inheritance: Autosomal dominant inheritance. Observed: 2 variant alleles, 2 heterozygotes.
Comment: This study involves interpretation of variants in research participants for the purpose of population health screening. Participant phenotype was not available at the time of variant classification. Additional details can be found in publication PMID: 35346344, PMCID: PMC8962531

Ambry Genetics
Classification: Likely benign for Hereditary cancer-predisposing syndrome. Last evaluated: 2022-08-07. Review status: criteria provided, single submitter. Criteria: Ambry Variant Classification Scheme 2023. Collection method: clinical testing. Allele origin: germline.